The following is an entry in ClinVar:

NM_001013579.3(AWAT1):c.796G>A (p.Gly266Arg)

Gene: AWAT1 (acyl-CoA wax alcohol acyltransferase 1; plus strand). Cytogenetic location: Xq13.1.
Variant type: single nucleotide variant.
Coding change: c.796G>A on transcript NM_001013579.3 (MANE Select); coding-DNA position 796, G replaced by A.
Protein change: p.Gly266Arg; replaces glycine 266 with arginine.
Molecular consequence: missense variant.
Genome position (GRCh38, 1-based): chrX:70,239,898, G>A. VCF-style: chrX-70239898-G-A. GRCh37 (hg19) VCF-style: chrX-69459748-G-A.
Other names: short protein forms G266R.
Identifiers: ClinVar variation 2349592 (VCV002349592.26), dbSNP rs139503903, ClinGen allele CA10440003.

ClinVar aggregate classification (germline): Conflicting classifications of pathogenicity. Review status: criteria provided, conflicting classifications (1 of 4 stars). 2 submissions from 2 submitters: Uncertain significance (1); Likely benign (1). Last evaluated 2023-02-01.

Allele frequency attached by ClinVar (database versions not stated): ESP Exome Variant Server 0.00019; gnomAD 0.00031; TOPMed 0.00031; ExAC 0.00037; gnomAD exomes 0.00048.
gnomAD v4.1: 565 of 1,208,461 alleles (0.047%); highest among the groups gnomAD compares: Non-Finnish European, 0.057%; no homozygotes.

Submissions (2):

CeGaT Center for Human Genetics Tuebingen
Classification: Likely benign. Last evaluated: 2023-02-01. Review status: criteria provided, single submitter. Criteria: CeGaT Center For Human Genetics Tuebingen Variant Classification Criteria Version 2. Collection method: clinical testing. Allele origin: germline. Affected: yes. Observed: 1 variant allele.
Comment: AWAT1: BS2

Ambry Genetics
Classification: Uncertain significance. Last evaluated: 2021-08-13. Review status: criteria provided, single submitter. Criteria: Ambry Variant Classification Scheme 2023. Collection method: clinical testing. Allele origin: germline.